The following is an entry in ClinVar:

ClinVar aggregate classification (germline): Uncertain significance. Review status: criteria provided, multiple submitters, no conflicts (2 of 4 stars). 2 submissions from 2 submitters: Uncertain significance (2). Last evaluated 2023-12-24.

Conditions:
X-linked immunodeficiency with magnesium defect, Epstein-Barr virus infection and neoplasia. Identifiers: Orphanet 317476, MedGen C3275445, MONDO:0010455, OMIM 300853.
Congenital disorder of glycosylation, type ICC. Identifiers: MedGen C5231393, MONDO:0026729, OMIM 301031.

Allele frequency attached by ClinVar (database versions not stated): ExAC 0.00001; gnomAD exomes 0.00001.
gnomAD v4.1: 6 of 1,206,207 alleles (0.0005%); highest among the groups gnomAD compares: South Asian, 0.007%; no homozygotes.

Submissions (2):

Labcorp Genetics (formerly Invitae), Labcorp
Classification: Uncertain significance for X-linked immunodeficiency with magnesium defect, Epstein-Barr virus infection and neoplasia. Last evaluated: 2023-12-24. Review status: criteria provided, single submitter. Criteria: Invitae Variant Classification Sherloc (09022015). Collection method: clinical testing. Allele origin: germline.
Comment: This sequence change replaces isoleucine, which is neutral and non-polar, with methionine, which is neutral and non-polar, at codon 131 of the MAGT1 protein (p.Ile131Met). This variant is present in population databases (rs781860795, gnomAD 0.005%). This variant has not been reported in the literature in individuals affected with MAGT1-related conditions. ClinVar contains an entry for this variant (Variation ID: 2582378). Advanced modeling of protein sequence and biophysical properties (such as structural, functional, and spatial information, amino acid conservation, physicochemical variation, residue mobility, and thermodynamic stability) performed at Invitae indicates that this missense variant is not expected to disrupt MAGT1 protein function with a negative predictive value of 80%. In summary, the available evidence is currently insufficient to determine the role of this variant in disease. Therefore, it has been classified as a Variant of Uncertain Significance.

Baylor Genetics
Classification: Uncertain significance for Congenital disorder of glycosylation, type ICC. Last evaluated: 2023-07-11. Review status: criteria provided, single submitter. Criteria: ACMG Guidelines, 2015. Collection method: clinical testing. Allele origin: unknown.

NM_001367916.1(MAGT1):c.297C>G (p.Ile99Met)

Gene: MAGT1 (magnesium transporter 1; minus strand). Cytogenetic location: Xq21.1.
Variant type: single nucleotide variant.
Coding change: c.297C>G on transcript NM_001367916.1 (MANE Select); coding-DNA position 297, C replaced by G.
Protein change: p.Ile99Met; replaces isoleucine 99 with methionine.
Molecular consequence: missense variant.
Genome position (GRCh38, 1-based): chrX:77,870,901, G>C on the plus strand (C>G on the coding strand, the complement: MAGT1 is on the minus strand). VCF-style: chrX-77870901-G-C. GRCh37 (hg19) VCF-style: chrX-77126398-G-C.
Other names: c.393C>G, p.Ile131Met (NM_032121.5); short protein forms I131M, I99M.
Identifiers: ClinVar variation 2582378 (VCV002582378.4), dbSNP rs781860795, ClinGen allele CA10458561.